The following is an entry in ClinVar:

NM_000420.3(KEL):c.1178G>A (p.Arg393Gln)

Gene: KEL (Kell metallo-endopeptidase (Kell blood group); minus strand). Cytogenetic location: 7q34.
Variant type: single nucleotide variant.
Coding change: c.1178G>A on transcript NM_000420.3 (MANE Select); coding-DNA position 1178, G replaced by A.
Protein change: p.Arg393Gln; replaces arginine 393 with glutamine.
Molecular consequence: missense variant.
Genome position (GRCh38, 1-based): chr7:142,952,534, C>T on the plus strand (G>A on the coding strand, the complement: KEL is on the minus strand). VCF-style: chr7-142952534-C-T. GRCh37 (hg19) VCF-style: chr7-142649621-C-T.
Other names: short protein forms R393Q.
Identifiers: ClinVar variation 3237381 (VCV003237381.1), dbSNP rs766098614.

ClinVar aggregate classification (germline): Uncertain significance (1 of 4 stars; one submission).

Allele frequency attached by ClinVar (database versions not stated): gnomAD 0.00001; TOPMed 0.00001; gnomAD exomes 0.00002; ExAC 0.00004.
gnomAD v4.1: 28 of 1,613,956 alleles (0.0017%); highest among the groups gnomAD compares: South Asian, 0.0022%; no homozygotes.

Submission:

Clinical Genomics Laboratory, Washington University in St. Louis
Classification: Uncertain significance. Last evaluated: 2024-04-24. Review status: criteria provided, single submitter. Criteria: ACMG Guidelines, 2015. Collection method: clinical testing. Allele origin: germline.
Comment: The KEL c.1178G>A (p.Arg393Gln) variant was identified at a near heterozygous allelic fraction of 48.6%, a frequency which may be consistent with it being of germline origin. The KEL c.1178G>A (p.Arg393Gln) variant, to our knowledge, has not been reported in the medical literature and it is observed on 28/1,613,956 alleles in the general population (gnomAD v4.1.0). Computational predictors suggest that the variant does not impact KEL function. This variant resides within a region, the peptidase domain, of KEL that is defined as a critical functional domain (Duran D et al. PMID: 30578106). Due to limited information, and based on ACMG/AMP guidelines for variant interpretation (Richards S et al., PMID: 25741868), the clinical significance of this variant is uncertain at this time.